The following is an entry in ClinVar:

ClinVar aggregate classification (germline): Uncertain significance (1 of 4 stars; one submission).

Conditions:
Renal cell carcinoma. Identifiers: Orphanet 217071, MedGen C0007134, MeSH D002292, MONDO:0005086, HP:0005584.

Allele frequency attached by ClinVar (database versions not stated): ExAC 0.00001.

Submission:

Labcorp Genetics (formerly Invitae), Labcorp
Classification: Uncertain significance for Renal cell carcinoma. Last evaluated: 2021-04-23. Review status: criteria provided, single submitter. Criteria: Invitae Variant Classification Sherloc (09022015). Collection method: clinical testing. Allele origin: germline.
Comment: This variant has not been reported in the literature in individuals with MET-related conditions. The frequency data for this variant in the population databases is considered unreliable, as metrics indicate poor data quality at this position in the ExAC database. This sequence change replaces valine with leucine at codon 486 of the MET protein (p.Val486Leu). The valine residue is highly conserved and there is a small physicochemical difference between valine and leucine. Algorithms developed to predict the effect of missense changes on protein structure and function are either unavailable or do not agree on the potential impact of this missense change (SIFT: "Deleterious"; PolyPhen-2: "Probably Damaging"; Align-GVGD: "Class C0"). In summary, the available evidence is currently insufficient to determine the role of this variant in disease. Therefore, it has been classified as a Variant of Uncertain Significance.

NM_000245.4(MET):c.1456G>C (p.Val486Leu)

Gene: MET (MET proto-oncogene, receptor tyrosine kinase; plus strand). Cytogenetic location: 7q31.2.
Variant type: single nucleotide variant.
Coding change: c.1456G>C on transcript NM_000245.4 (MANE Select); coding-DNA position 1456, G replaced by C.
Protein change: p.Val486Leu; replaces valine 486 with leucine.
Molecular consequence: missense variant.
Genome position (GRCh38, 1-based): chr7:116,740,013, G>C. VCF-style: chr7-116740013-G-C. GRCh37 (hg19) VCF-style: chr7-116380067-G-C.
Other names: c.1456G>C, p.Val486Leu (NM_001127500.3, NM_001324401.3); c.166G>C, p.Val56Leu (NM_001324402.2); short protein forms V486L, V56L.
Identifiers: ClinVar variation 1347952 (VCV001347952.8), dbSNP rs746334800, ClinGen allele CA4448164.